The following is an entry in ClinVar:

NM_022765.4(MICAL1):c.1520C>T (p.Ser507Leu)

Gene: MICAL1 (microtubule associated monooxygenase, calponin and LIM domain containing 1; minus strand). Cytogenetic location: 6q21.
Variant type: single nucleotide variant.
Coding change: c.1520C>T on transcript NM_022765.4 (MANE Select); coding-DNA position 1520, C replaced by T.
Protein change: p.Ser507Leu; replaces serine 507 with leucine.
Molecular consequence: missense variant.
Genome position (GRCh38, 1-based): chr6:109,448,876, G>A on the plus strand (C>T on the coding strand, the complement: MICAL1 is on the minus strand). VCF-style: chr6-109448876-G-A. GRCh37 (hg19) VCF-style: chr6-109770079-G-A.
Other names: c.1262C>T, p.Ser421Leu (NM_001159291.2); c.1577C>T, p.Ser526Leu (NM_001286613.2); c.1520C>T (NM_022765.3); short protein forms S526L, S421L, S507L.
Identifiers: ClinVar variation 2055730 (VCV002055730.5), dbSNP rs199610079, ClinGen allele CA3953311.

ClinVar aggregate classification (germline): Uncertain significance. Review status: criteria provided, multiple submitters, no conflicts (2 of 4 stars). 2 submissions from 2 submitters: Uncertain significance (2). Last evaluated 2025-12-30.

Allele frequency attached by ClinVar (database versions not stated): ESP Exome Variant Server 0.00008; gnomAD exomes 0.00010; gnomAD 0.00011; TOPMed 0.00011; ExAC 0.00014; 1000 Genomes Project 30x 0.00016; 1000 Genomes Project 0.00020.
gnomAD v4.1: 161 of 1,613,280 alleles (0.01%); highest among the groups gnomAD compares: Middle Eastern, 0.05%; no homozygotes.

Submissions (2):

Labcorp Genetics (formerly Invitae), Labcorp
Classification: Uncertain significance. Last evaluated: 2025-12-30. Review status: criteria provided, single submitter. Criteria: Invitae Variant Classification Sherloc (09022015). Collection method: clinical testing. Allele origin: germline.
Comment: This sequence change replaces serine, which is neutral and polar, with leucine, which is neutral and non-polar, at codon 526 of the MICAL1 protein (p.Ser526Leu). This variant is present in population databases (rs199610079, gnomAD 0.01%). This variant has not been reported in the literature in individuals affected with MICAL1-related conditions. ClinVar contains an entry for this variant (Variation ID: 2055730). An algorithm developed to predict the effect of missense changes on protein structure and function outputs the following: PolyPhen-2: "Benign". The leucine amino acid residue is found in multiple mammalian species, which suggests that this missense change does not adversely affect protein function. In summary, the available evidence is currently insufficient to determine the role of this variant in disease. Therefore, it has been classified as a Variant of Uncertain Significance.

Ambry Genetics
Classification: Uncertain significance. Last evaluated: 2025-03-10. Review status: criteria provided, single submitter. Criteria: Ambry Variant Classification Scheme 2023. Collection method: clinical testing. Allele origin: germline.